The following is an entry in ClinVar:

NM_000132.4(F8):c.5939_5940del (p.His1980fs)

Gene: F8 (coagulation factor VIII; minus strand). Cytogenetic location: Xq28.
Variant type: Deletion.
Coding change: c.5939_5940del on transcript NM_000132.4 (MANE Select); coding-DNA positions 5939 to 5940, 2 bases deleted (AT; older notation c.5939_5940delAT).
Protein change: p.His1980fs; shifts the reading frame from histidine 1980.
Molecular consequence: frameshift variant.
Genome position (GRCh38, 1-based): chrX:154,903,964-154,903,965, AT deleted on the plus strand (AT on the coding strand, the reverse complement: F8 is on the minus strand). VCF-style (leftmost placement, unchanged base first): chrX-154903963-CAT-C. GRCh37 (hg19) VCF-style: chrX-154132238-CAT-C.
Other names: short protein forms H1980fs.
Identifiers: ClinVar variation 2444217 (VCV002444217.1), dbSNP rs2523883958, ClinGen allele CA2580101792.

ClinVar aggregate classification (germline): Likely pathogenic (1 of 4 stars; one submission).

Conditions:
Hereditary factor VIII deficiency disease (HEMA). Also called: Hemophilia A, congenital; HEM A; Factor 8 deficiency, congenital; HEMOPHILIA, CLASSIC; AUTOSOMAL HEMOPHILIA A; Hemophilia A. Identifiers: Orphanet 98878, MedGen C0019069, MONDO:0010602, OMIM 306700.

Submission:

3billion
Classification: Likely pathogenic for Hereditary factor VIII deficiency disease. Last evaluated: 2023-02-23. Review status: criteria provided, single submitter. Criteria: ACMG Guidelines, 2015. Collection method: clinical testing. Allele origin: unknown. Affected: yes.
Comment: The variant is not observed in the gnomAD v2.1.1 dataset. This variant was predicted to result in a loss or disruption of normal protein function through nonsense-mediated decay (NMD) or protein truncation. Multiple pathogenic variants are reported downstream of the variant. Therefore, this variant is classified as Likely pathogenic according to the recommendation of ACMG/AMP guideline.